The following is an entry in ClinVar:

NM_007194.4(CHEK2):c.1451del (p.Pro484fs)

Gene: CHEK2 (checkpoint kinase 2; minus strand). Cytogenetic location: 22q12.1.
Variant type: Deletion.
Coding change: c.1451del on transcript NM_007194.4 (MANE Select); coding-DNA position 1451, one base deleted (C; older notation c.1451delC).
Protein change: p.Pro484fs; shifts the reading frame from proline 484.
Molecular consequence: frameshift variant.
Genome position (GRCh38, 1-based): chr22:28,694,042, G deleted on the plus strand (C on the coding strand, the reverse complement: CHEK2 is on the minus strand); the first of 3 consecutive G bases (chr22:28,694,042-28,694,044); deleting any one gives the same sequence. VCF-style (leftmost placement, unchanged base first): chr22-28694041-CG-C. GRCh37 (hg19) VCF-style: chr22-29090029-CG-C.
Other names: c.1578delC, p.Pro527Argfs (NM_001005735.3); c.786delC, p.Pro263Argfs (NM_001257387.3); c.1248delC, p.Pro417Argfs (NM_001349956.3); c.1362delC, p.Pro455Argfs (NM_145862.3); short protein forms P263fs, P417fs, P484fs, P527fs, P455fs.
Identifiers: ClinVar variation 485515 (VCV000485515.14), dbSNP rs1555913078, ClinGen allele CA658656817.

ClinVar aggregate classification (germline): Pathogenic. Review status: criteria provided, multiple submitters, no conflicts (2 of 4 stars). 3 submissions from 3 submitters: Pathogenic (3). Last evaluated 2025-12-17.

Conditions:
Hereditary cancer-predisposing syndrome. Also called: Tumor predisposition; Hereditary Cancer Syndrome; Hereditary neoplastic syndrome; Neoplastic Syndromes, Hereditary. Identifiers: Orphanet 140162, MedGen C0027672, MeSH D009386, MONDO:0015356.
Familial cancer of breast. Also called: hereditary breast carcinoma; BREAST CANCER, FAMILIAL; Hereditary breast cancer. Identifiers: Orphanet 227535, MedGen C0346153, MONDO:0016419, OMIM 114480. Disease mechanism: loss of function.

Submissions (3):

Labcorp Genetics (formerly Invitae), Labcorp
Classification: Pathogenic for Familial cancer of breast. Last evaluated: 2025-12-17. Review status: criteria provided, single submitter. Criteria: Invitae Variant Classification Sherloc (09022015). Collection method: clinical testing. Allele origin: germline.
Comment: This sequence change creates a premature translational stop signal (p.Pro484Argfs*8) in the CHEK2 gene. It is expected to result in an absent or disrupted protein product. Loss-of-function variants in CHEK2 are known to be pathogenic (PMID: 21876083, 24713400). This variant is not present in population databases (gnomAD no frequency). This variant has not been reported in the literature in individuals affected with CHEK2-related conditions. ClinVar contains an entry for this variant (Variation ID: 485515). For these reasons, this variant has been classified as Pathogenic.

Myriad Genetics, Inc.
Classification: Pathogenic for Familial cancer of breast. Last evaluated: 2023-06-28. Review status: criteria provided, single submitter. Criteria: Myriad Autosomal Dominant, Autosomal Recessive and X-Linked Classification Criteria (2023). Collection method: clinical testing. Allele origin: unknown.
Comment: This variant is considered pathogenic. This variant creates a frameshift predicted to result in premature protein truncation.

Ambry Genetics
Classification: Pathogenic for Hereditary cancer-predisposing syndrome. Last evaluated: 2021-09-07. Review status: criteria provided, single submitter. Criteria: Ambry Variant Classification Scheme 2023. Collection method: clinical testing. Allele origin: germline.
Comment: The c.1451delC pathogenic mutation, located in coding exon 12 of the CHEK2 gene, results from a deletion of one nucleotide at position 1451, causing a translational frameshift with a predicted alternate stop codon (p.P484Rfs*8). This alteration is expected to result in loss of function by premature protein truncation or nonsense-mediated mRNA decay. As such, this alteration is interpreted as a disease-causing mutation.

Literature cited by the submitters: PubMed 21876083 (cited by Labcorp Genetics (formerly Invitae), Labcorp); PubMed 24713400 (cited by Labcorp Genetics (formerly Invitae), Labcorp).